The following is an entry in ClinVar:

ClinVar aggregate classification (germline): Pathogenic (1 of 4 stars; one submission).

Conditions:
VPS13A-related neurodegenerative disease. Also called: ACANTHOCYTOSIS WITH NEUROLOGIC DISORDER; LEVINE-CRITCHLEY SYNDROME; Choreoacanthocytosis; Chorea-acanthocytosis; Choreaacanthocytosis; VPS13A Disease. Identifiers: Orphanet 2388, MedGen C0393576, MONDO:0008695, OMIM 200150.

Submission:

Myriad Genetics, Inc.
Classification: Pathogenic for VPS13A-related neurodegenerative disease. Last evaluated: 2025-02-28. Review status: criteria provided, single submitter. Criteria: Myriad Autosomal Dominant, Autosomal Recessive and X-Linked Classification Criteria (2023). Collection method: clinical testing. Allele origin: unknown.
Comment: NM_033305.2(VPS13A):c.981dupC(R328Qfs*13) is expected to be pathogenic in the context of VPS13A disease. This variant is predicted to lead to an abnormal or absent protein product due to the creation of a premature termination codon in VPS13A, a gene where loss-of-function variants are known to be pathogenic. Please note: this variant was assessed in the context of healthy population screening.

NM_033305.3(VPS13A):c.981dup (p.Arg328fs)

Gene: VPS13A (vacuolar protein sorting 13 homolog A; plus strand). Cytogenetic location: 9q21.2.
Variant type: Duplication.
Coding change: c.981dup on transcript NM_033305.3 (MANE Select); coding-DNA position 981, one base duplicated (C; older notation c.981dupC).
Protein change: p.Arg328fs; shifts the reading frame from arginine 328.
Molecular consequence: frameshift variant.
Genome position (GRCh38, 1-based): chr9:77,220,375, C duplicated; the last of 2 consecutive C bases (chr9:77,220,374-77,220,375); duplicating either gives the same sequence. VCF-style (leftmost placement, unchanged base first): chr9-77220373-G-GC. GRCh37 (hg19) VCF-style: chr9-79835289-G-GC.
Other names: c.981dup, p.Arg328fs (NM_001018037.2, NM_001018038.3, NM_015186.4); short protein forms R328fs.
Identifiers: ClinVar variation 5014149 (VCV005014149.1).
Genomic context (GRCh38, chr9:77,220,373, plus strand): 5'-ATGATGGCACAAAATCTGCCATATAGGAAGTTCAAACCTGATGTGCCTCTTCACCACCAT[G>GC]CCAGAGAATGGTAAATGCCTTGATTTTTTTTTTTTTTTAGATTTTAAAAATACAACATAA-3'